The following is an entry in ClinVar:

ClinVar aggregate classification (germline): Likely benign (1 of 4 stars; one submission).

Allele frequency attached by ClinVar (database versions not stated): gnomAD exomes 0.00001 and 0.00002; ExAC 0.00002; gnomAD 0.00004; TOPMed 0.00010; ESP Exome Variant Server 0.00015.
gnomAD v4.1: 14 of 1,613,758 alleles (0.00087%); highest among the groups gnomAD compares: African/African-American, 0.016%; no homozygotes.

Submission:

Laboratory for Molecular Medicine, Mass General Brigham Personalized Medicine
Classification: Likely benign. Last evaluated: 2012-04-30. Review status: criteria provided, single submitter. Criteria: LMM Criteria. Collection method: clinical testing. Allele origin: germline. Observed: 1 variant allele.
Comment: Ala772Ala in Exon 22 of MYO1A: This variant is not expected to have clinical sig nificance because it does not alter an amino acid residue, is not located within the splice consensus sequence, and has been identified in 0.1% (2/3738) of Afri can American chromosomes from a broad population by the NHLBI Exome Sequencing P roject (dbSNP rs147832651).

NM_005379.4(MYO1A):c.2316C>T (p.Ala772=)

Gene: MYO1A (myosin IA; minus strand). Cytogenetic location: 12q13.3.
Variant type: single nucleotide variant.
Coding change: c.2316C>T on transcript NM_005379.4 (MANE Select); coding-DNA position 2316, C replaced by T.
Protein change: p.Ala772=; no amino-acid change (alanine 772 retained).
Molecular consequence: synonymous variant.
Genome position (GRCh38, 1-based): chr12:57,036,340, G>A on the plus strand (C>T on the coding strand, the complement: MYO1A is on the minus strand). VCF-style: chr12-57036340-G-A. GRCh37 (hg19) VCF-style: chr12-57430124-G-A.
Other names: c.2316C>T, p.Ala772= (NM_001256041.2).
Identifiers: ClinVar variation 178454 (VCV000178454.4), dbSNP rs147832651, ClinGen allele CA182363.